The following is an entry in ClinVar:

ClinVar aggregate classification (germline): Benign (1 of 4 stars; one submission).

Conditions:
Cutis laxa with osteodystrophy (ARCL2A). Also called: CUTIS LAXA WITH CONGENITAL DISORDER OF GLYCOSYLATION; Autosomal recessive cutis laxa type 2A; CUTIS LAXA, AUTOSOMAL RECESSIVE, TYPE IIA; Debré-Type Cutis Laxa; CUTIS LAXA WITH BONE DYSTROPHY; CUTIS LAXA WITH GROWTH AND DEVELOPMENTAL DELAY. Identifiers: Orphanet 357058, MedGen C0268355, MONDO:0018163, OMIM 219200. Disease mechanism: loss of function.

Allele frequency attached by ClinVar (database versions not stated): 1000 Genomes Project 0.00859; gnomAD 0.00751 and 0.00703; TOPMed 0.00769; 1000 Genomes Project 30x 0.00828.

Submission:

Illumina Laboratory Services, Illumina
Classification: Benign for Cutis laxa with osteodystrophy. Last evaluated: 2018-01-12. Review status: criteria provided, single submitter. Criteria: ICSL Variant Classification Criteria 13 December 2019. Collection method: clinical testing. Allele origin: germline.
Comment: This variant was observed in the ICSL laboratory as part of a predisposition screen in an ostensibly healthy population. It had not been previously curated by ICSL or reported in the Human Gene Mutation Database (HGMD: prior to June 1st, 2018), and was therefore a candidate for classification through an automated scoring system. Utilizing variant allele frequency, disease prevalence and penetrance estimates, and inheritance mode, an automated score was calculated to assess if this variant is too frequent to cause the disease. Based on the score and internal cut-off values, a variant classified as benign is not then subjected to further curation. The score for this variant resulted in a classification of benign for this disease.

NM_012463.4(ATP6V0A2):c.*1064G>A

Gene: ATP6V0A2 (ATPase H+ transporting V0 subunit a2; plus strand). Cytogenetic location: 12q24.31.
Variant type: single nucleotide variant.
Coding change: c.*1064G>A on transcript NM_012463.4 (MANE Select); 1064 bases downstream of the stop codon, G replaced by A.
Molecular consequence: 3 prime UTR variant.
Genome position (GRCh38, 1-based): chr12:123,759,096, G>A. VCF-style: chr12-123759096-G-A. GRCh37 (hg19) VCF-style: chr12-124243643-G-A.
Identifiers: ClinVar variation 880700 (VCV000880700.4), dbSNP rs7980215, ClinGen allele CA245166985.